The following is an entry in ClinVar:

NM_178822.5(IGSF10):c.5033C>T (p.Pro1678Leu)

Gene: IGSF10 (immunoglobulin superfamily member 10; minus strand). Cytogenetic location: 3q25.1.
Variant type: single nucleotide variant.
Coding change: c.5033C>T on transcript NM_178822.5 (MANE Select); coding-DNA position 5033, C replaced by T.
Protein change: p.Pro1678Leu; replaces proline 1678 with leucine.
Molecular consequence: missense variant.
Genome position (GRCh38, 1-based): chr3:151,444,948, G>A on the plus strand (C>T on the coding strand, the complement: IGSF10 is on the minus strand). VCF-style: chr3-151444948-G-A. GRCh37 (hg19) VCF-style: chr3-151162736-G-A.
Other names: c.5033C>T, p.Pro1678Leu (NM_001385061.1, NM_001385062.1, NM_001385063.1 and 1 more transcripts); short protein forms P1678L.
Identifiers: ClinVar variation 2873524 (VCV002873524.3), dbSNP rs2474485151, ClinGen allele CA354994736.

ClinVar aggregate classification (germline): Uncertain significance (1 of 4 stars; one submission).

Submission:

Labcorp Genetics (formerly Invitae), Labcorp
Classification: Uncertain significance. Last evaluated: 2022-11-13. Review status: criteria provided, single submitter. Criteria: Invitae Variant Classification Sherloc (09022015). Collection method: clinical testing. Allele origin: germline.
Comment: In summary, the available evidence is currently insufficient to determine the role of this variant in disease. Therefore, it has been classified as a Variant of Uncertain Significance. Algorithms developed to predict the effect of missense changes on protein structure and function are either unavailable or do not agree on the potential impact of this missense change (SIFT: "Deleterious"; PolyPhen-2: "Probably Damaging"; Align-GVGD: "Class C0"). This variant has not been reported in the literature in individuals affected with IGSF10-related conditions. This variant is not present in population databases (gnomAD no frequency). This sequence change replaces proline, which is neutral and non-polar, with leucine, which is neutral and non-polar, at codon 1678 of the IGSF10 protein (p.Pro1678Leu).